The following is an entry in ClinVar:

ClinVar aggregate classification (germline): Uncertain significance (1 of 4 stars; one submission).

Conditions:
Retinitis pigmentosa 70 (RP70). Identifiers: Orphanet 791, MedGen C4014681, MONDO:0014400, OMIM 615922.

Allele frequency attached by ClinVar (database versions not stated): gnomAD 0.00001; gnomAD exomes 0.00001; TOPMed 0.00002.
gnomAD v4.1: 8 of 1,613,924 alleles (0.0005%); highest among the groups gnomAD compares: Non-Finnish European, 0.00068%; no homozygotes.

Submission:

Victorian Clinical Genetics Services, Murdoch Childrens Research Institute
Classification: Uncertain significance for Retinitis pigmentosa 70. Last evaluated: 2020-05-21. Review status: criteria provided, single submitter. Criteria: ACMG Guidelines, 2015. Collection method: clinical testing. Allele origin: germline. Inheritance: Autosomal dominant inheritance.
Comment: Based on the classification scheme VCGS_Germline_v1.1.1, this variant is classified as VUS with LOW CLINICAL RELEVANCE. Following criteria are met: 0102 - Loss-of-function is a known mechanism of disease for this gene. (N) 0104 - Dominant Negative is a mechanism of disease for this gene. (N) 0107 - This gene is known to be associated with autosomal dominant disease. (N) 0200 - Variant is predicted to result in a missense amino acid change from valine to isoleucine (exon 8). (N) 0251 - Variant is heterozygous. (N) 0301 - Variant is absent from gnomAD. (P) 0503 - Missense variant consistently predicted to be tolerated or not conserved in mammals with a minor amino acid change. (B) 0604 - Variant is not located in an established domain, motif, hotspot or informative constraint region. (N) 0705 - No comparable variants have previous evidence for pathogenicity. (N) 0807 - Variant has not previously been reported in a clinical context. (N) 0905 - No segregation evidence has been identified for this variant. (N) 1007 - No published functional evidence has been identified for this variant. (N) 1208 - Inheritance information for this variant is not currently available. (N) Legend: (P) - Pathogenic, (N) - Neutral, (B) - Benign

NM_001244926.2(PRPF4):c.750-11G>A

Gene: PRPF4 (pre-mRNA splicing tri-snRNP complex factor PRPF4; plus strand). Cytogenetic location: 9q32.
Variant type: single nucleotide variant.
Coding change: c.750-11G>A on transcript NM_001244926.2 (MANE Select); 11 bases into the intron before coding-DNA position 750, G replaced by A.
Molecular consequence: intron variant. On other transcripts: missense variant (2).
Genome position (GRCh38, 1-based): chr9:113,286,221, G>A. VCF-style: chr9-113286221-G-A. GRCh37 (hg19) VCF-style: chr9-116048501-G-A.
Other names: c.13G>A, p.Val5Ile (NM_001322266.2, NM_001322267.2); c.753-11G>A (NM_004697.5); short protein forms V5I.
Identifiers: ClinVar variation 1805324 (VCV001805324.1), dbSNP rs1364245474, ClinGen allele CA858853944.
Genomic context (GRCh38, chr9:113,286,221, plus strand): 5'-GTAATATTACCAAGGTACCTTTTCCTTCCCAGACCAACCCTGGCTGAGATGCTTTCCTTT[G>A]TATTTGATAGGAGTGGGCTTTGCAAGCTCTGGTCTGTTCCTGATTGCAACCTCCTTCACA-3'